The following is an entry in ClinVar:

NM_000063.6(C2):c.966C>A (p.Ser322Arg)

Genes: C2 (complement C2; plus strand), C2-AS1 (C2 antisense RNA 1; minus strand). Cytogenetic location: 6p21.33.
Variant type: single nucleotide variant.
Coding change: c.966C>A on transcript NM_000063.6 (MANE Select); coding-DNA position 966, C replaced by A.
Protein change: p.Ser322Arg; replaces serine 322 with arginine.
Molecular consequence: missense variant. On other transcripts: intron variant (1).
Genome position (GRCh38, 1-based): chr6:31,936,039, C>A. VCF-style: chr6-31936039-C-A. GRCh37 (hg19) VCF-style: chr6-31903816-C-A.
Other names: c.570C>A, p.Ser190Arg (NM_001145903.3); c.228C>A, p.Ser76Arg (NM_001282457.2); c.879C>A, p.Ser293Arg (NM_001282458.2); c.347-1280C>A (NM_001178063.3); short protein forms S293R, S322R, S76R, S190R.
Identifiers: ClinVar variation 1366639 (VCV001366639.8), dbSNP rs2151758087, ClinGen allele CA363370262.

ClinVar aggregate classification (germline): Uncertain significance (1 of 4 stars; one submission).

Submission:

Labcorp Genetics (formerly Invitae), Labcorp
Classification: Uncertain significance. Last evaluated: 2024-10-22. Review status: criteria provided, single submitter. Criteria: Invitae Variant Classification Sherloc (09022015). Collection method: clinical testing. Allele origin: germline.
Comment: This sequence change replaces serine, which is neutral and polar, with arginine, which is basic and polar, at codon 322 of the C2 protein (p.Ser322Arg). This variant is not present in population databases (gnomAD no frequency). This variant has not been reported in the literature in individuals affected with C2-related conditions. ClinVar contains an entry for this variant (Variation ID: 1366639). An algorithm developed to predict the effect of missense changes on protein structure and function (PolyPhen-2) suggests that this variant is likely to be tolerated. In summary, the available evidence is currently insufficient to determine the role of this variant in disease. Therefore, it has been classified as a Variant of Uncertain Significance.